The following is an entry in ClinVar:

NM_001267550.2(TTN):c.15126G>A (p.Thr5042=)

Gene: TTN (titin; minus strand). Cytogenetic location: 2q31.2.
Variant type: single nucleotide variant.
Coding change: c.15126G>A on transcript NM_001267550.2 (MANE Select); coding-DNA position 15126, G replaced by A.
Protein change: p.Thr5042=; no amino-acid change (threonine 5042 retained).
Molecular consequence: synonymous variant. On other transcripts: intron variant (3).
Genome position (GRCh38, 1-based): chr2:178,734,798, C>T on the plus strand (G>A on the coding strand, the complement: TTN is on the minus strand). VCF-style: chr2-178734798-C-T. GRCh37 (hg19) VCF-style: chr2-179599525-C-T.
Other names: c.14175G>A, p.Thr4725= (NM_001256850.1); c.11394G>A, p.Thr3798= (NM_133378.4); c.13282+3284G>A (NM_003319.4); c.13858+3284G>A (NM_133437.4); c.13657+3284G>A (NM_133432.3).
Identifiers: ClinVar variation 2576816 (VCV002576816.2), dbSNP rs377193788, ClinGen allele CA2002289.

ClinVar aggregate classification (germline): Uncertain significance (1 of 4 stars; one submission).

Allele frequency attached by ClinVar (database versions not stated): gnomAD 0.00001; ExAC 0.00004; ESP Exome Variant Server 0.00008.
gnomAD v4.1: 61 of 1,613,688 alleles (0.0038%); highest among the groups gnomAD compares: Non-Finnish European, 0.0044%; no homozygotes.

Submission:

GeneDx
Classification: Uncertain significance. Last evaluated: 2025-09-09. Review status: criteria provided, single submitter. Criteria: GeneDx Variant Classification Process June 2021. Collection method: clinical testing. Allele origin: germline.
Comment: In silico analysis suggests this variant may impact gene splicing; in the absence of RNA/functional studies, the actual effect of this sequence change is unknown; Has not been previously published as pathogenic or benign to our knowledge